The following is an entry in ClinVar:

ClinVar aggregate classification (germline): Uncertain significance. Review status: criteria provided, multiple submitters, no conflicts (2 of 4 stars). 2 submissions from 2 submitters: Uncertain significance (2). Last evaluated 2025-06-09.

Allele frequency attached by ClinVar (database versions not stated): ExAC 0.00001; gnomAD 0.00001; gnomAD exomes 0.00001; TOPMed 0.00001.

Submissions (2):

Ambry Genetics
Classification: Uncertain significance. Last evaluated: 2025-06-09. Review status: criteria provided, single submitter. Criteria: Ambry Variant Classification Scheme 2023. Collection method: clinical testing. Allele origin: germline.

Labcorp Genetics (formerly Invitae), Labcorp
Classification: Uncertain significance. Last evaluated: 2022-04-20. Review status: criteria provided, single submitter. Criteria: Invitae Variant Classification Sherloc (09022015). Collection method: clinical testing. Allele origin: germline.
Comment: This variant has not been reported in the literature in individuals affected with CEP250-related conditions. In summary, the available evidence is currently insufficient to determine the role of this variant in disease. Therefore, it has been classified as a Variant of Uncertain Significance. Algorithms developed to predict the effect of missense changes on protein structure and function are either unavailable or do not agree on the potential impact of this missense change (SIFT: "Not Available"; PolyPhen-2: "Possibly Damaging"; Align-GVGD: "Not Available"). ClinVar contains an entry for this variant (Variation ID: 968870). This variant is present in population databases (rs749502180, gnomAD 0.003%). This sequence change replaces arginine with glutamine at codon 1259 of the CEP250 protein (p.Arg1259Gln). The arginine residue is moderately conserved and there is a small physicochemical difference between arginine and glutamine.

NM_007186.6(CEP250):c.3776G>A (p.Arg1259Gln)

Gene: CEP250 (centrosomal protein 250; plus strand). Cytogenetic location: 20q11.22.
Variant type: single nucleotide variant.
Coding change: c.3776G>A on transcript NM_007186.6 (MANE Select); coding-DNA position 3776, G replaced by A.
Protein change: p.Arg1259Gln; replaces arginine 1259 with glutamine.
Molecular consequence: missense variant.
Genome position (GRCh38, 1-based): chr20:35,498,715, G>A. VCF-style: chr20-35498715-G-A. GRCh37 (hg19) VCF-style: chr20-34086544-G-A.
Other names: c.1880G>A, p.Arg627Gln (NM_001318219.1); c.3776G>A (NM_007186.3); short protein forms R1259Q, R627Q.
Identifiers: ClinVar variation 968870 (VCV000968870.9), dbSNP rs749502180, ClinGen allele CA9833553.
Genomic context (GRCh38, chr20:35,498,715, plus strand): 5'-AGGCAGTAGCATCTGCCCTCCACAAGCTTCATCAAGACCTGTGGAAGACTCAACAGACCC[G>A]GGTATGTTTCTCTGCTCCCCTTTCCCGAACTCTTTACATCCCTGGAAAAGCATGAGGCAA-3'
Protein context (NP_009117.2, residues 1249-1269): HQDLWKTQQT[Arg1259Gln]DVLRDQVQKL